The following is an entry in ClinVar:

ClinVar aggregate classification (germline): Likely benign (1 of 4 stars; one submission).

Conditions:
FHOD3-related disorder. Also called: FHOD3-related condition.

gnomAD v4.1: 47 of 1,613,900 alleles (0.0029%); highest among the groups gnomAD compares: Admixed American, 0.015%; no homozygotes.

Submission:

PreventionGenetics, part of Exact Sciences
Classification: Likely benign for FHOD3-related condition. Last evaluated: 2026-02-19. Review status: criteria provided, single submitter. Criteria: ACMG Guidelines, 2015. Collection method: clinical testing. Allele origin: germline.
Comment: This variant is classified as likely benign based on ACMG/AMP sequence variant interpretation guidelines (Richards et al. 2015 PMID: 25741868, with internal and published modifications).

NM_001281740.3(FHOD3):c.2904G>A (p.Ala968=)

Gene: FHOD3 (formin homology 2 domain containing 3; plus strand). Cytogenetic location: 18q12.2.
Variant type: single nucleotide variant.
Coding change: c.2904G>A on transcript NM_001281740.3 (MANE Select); coding-DNA position 2904, G replaced by A.
Protein change: p.Ala968=; no amino-acid change (alanine 968 retained).
Molecular consequence: synonymous variant.
Genome position (GRCh38, 1-based): chr18:36,718,202, G>A. VCF-style: chr18-36718202-G-A. GRCh37 (hg19) VCF-style: chr18-34298165-G-A.
Other names: c.2328G>A, p.Ala776= (NM_001281739.3); c.2379G>A, p.Ala793= (NM_025135.5).
Identifiers: ClinVar variation 4979698 (VCV004979698.1).
Genomic context (GRCh38, chr18:36,718,202, plus strand): 5'-CCTGGGGAGAGGTTCCATCTCCCCTGATGCTGAGCCCAATGACAAGGTCCCAGAAACAGC[G>A]CCGGTGCAGCCGAAGACAGAGTCTGATTACATCTGGGACCAGCTCATGGCCAATCCAAGA-3'
Protein context (NP_001268669.1, residues 958-978): AEPNDKVPET[Ala968=]PVQPKTESDY